The following is an entry in ClinVar:

NM_015166.4(MLC1):c.322-5T>C

Gene: MLC1 (modulator of VRAC current 1; minus strand). Cytogenetic location: 22q13.33.
Variant type: single nucleotide variant.
Coding change: c.322-5T>C on transcript NM_015166.4 (MANE Select); 5 bases into the intron before coding-DNA position 322, T replaced by C.
Molecular consequence: intron variant.
Genome position (GRCh38, 1-based): chr22:50,080,024, A>G on the plus strand (T>C on the coding strand, the complement: MLC1 is on the minus strand). VCF-style: chr22-50080024-A-G. GRCh37 (hg19) VCF-style: chr22-50518453-A-G.
Other names: c.322-5T>C (NM_001376474.1, NM_001376475.1, NM_001376476.1 and 6 more transcripts); c.85-5T>C (NM_001376484.1); c.232-5T>C (NM_001376480.1); c.268-2522T>C (NM_001376482.1, NM_001376483.1); c.321+320T>C (NM_001376481.1).
Identifiers: ClinVar variation 4073608 (VCV004073608.3).
Genomic context (GRCh38, chr22:50,080,024, plus strand): 5'-AAACACGTAGTGGTCACAGCAAACGTGGAAACAAACAATATCTGAAAGTTGGGAATCTGA[A>G]AAACAAGGCAGGAGGGGTTTTCCTTCTTTGAATAATAAAAGAAAAAAGGTAACAGATAAA-3'

ClinVar aggregate classification (germline): Likely pathogenic (1 of 4 stars; one submission).

Conditions:
Megalencephalic leukoencephalopathy with subcortical cysts 1 (MLC1). Also called: LEUKOENCEPHALOPATHY WITH SWELLING AND CYSTS; VACUOLATING MEGALENCEPHALIC LEUKOENCEPHALOPATHY WITH SUBCORTICAL CYSTS. Identifiers: Orphanet 2478, MedGen C5779875, MONDO:0024555, OMIM 604004.

Submission:

Juno Genomics, Hangzhou Juno Genomics, Inc
Classification: Likely pathogenic for Megalencephalic leukoencephalopathy with subcortical cysts 1. Review status: criteria provided, single submitter. Criteria: ACMG Guidelines, 2015. Collection method: clinical testing. Allele origin: germline. Affected: yes.
Comment: Absent from controls (or at extremely low frequency if recessive) in Genome Aggregation Database, Exome Sequencing Project, 1000 Genomes Project, or Exome Aggregation Consortium.;Multiple lines of computational evidence support a deleterious effect on the gene or gene product (conservation, evolutionary, splicing impact, etc).;For recessive disorders, detected in trans with a pathogenic variant.;Co-segregation with disease in multiple affected family members in a gene definitively known to cause the disease.;Patient's phenotype or family history is highly specific for a disease with a single genetic etiology.